The following is an entry in ClinVar:

ClinVar aggregate classification (germline): Uncertain significance (1 of 4 stars; one submission).

Conditions:
Familial cold autoinflammatory syndrome 2 (FCAS2). Identifiers: Orphanet 247868, MedGen C2673198, MONDO:0012724, OMIM 611762.

Allele frequency attached by ClinVar (database versions not stated): gnomAD exomes below 0.00001; ExAC 0.00002; gnomAD 0.00002; TOPMed 0.00004.
gnomAD v4.1: 6 of 1,613,960 alleles (0.00037%); highest among the groups gnomAD compares: African/African-American, 0.008%; no homozygotes.

Submission:

Labcorp Genetics (formerly Invitae), Labcorp
Classification: Uncertain significance for Familial cold autoinflammatory syndrome 2. Last evaluated: 2025-02-19. Review status: criteria provided, single submitter. Criteria: Invitae Variant Classification Sherloc (09022015). Collection method: clinical testing. Allele origin: germline.
Comment: This sequence change replaces cysteine, which is neutral and slightly polar, with tyrosine, which is neutral and polar, at codon 809 of the NLRP12 protein (p.Cys809Tyr). This variant is present in population databases (rs747001650, gnomAD 0.01%). This variant has not been reported in the literature in individuals affected with NLRP12-related conditions. ClinVar contains an entry for this variant (Variation ID: 2724703). Invitae Evidence Modeling of protein sequence and biophysical properties (such as structural, functional, and spatial information, amino acid conservation, physicochemical variation, residue mobility, and thermodynamic stability) indicates that this missense variant is expected to disrupt NLRP12 protein function with a positive predictive value of 80%. In summary, the available evidence is currently insufficient to determine the role of this variant in disease. Therefore, it has been classified as a Variant of Uncertain Significance.

NM_144687.4(NLRP12):c.2426G>A (p.Cys809Tyr)

Gene: NLRP12 (NLR family pyrin domain containing 12; minus strand). Cytogenetic location: 19q13.42.
Variant type: single nucleotide variant.
Coding change: c.2426G>A on transcript NM_144687.4 (MANE Select); coding-DNA position 2426, G replaced by A.
Protein change: p.Cys809Tyr; replaces cysteine 809 with tyrosine.
Molecular consequence: missense variant.
Genome position (GRCh38, 1-based): chr19:53,804,111, C>T on the plus strand (G>A on the coding strand, the complement: NLRP12 is on the minus strand). VCF-style: chr19-53804111-C-T. GRCh37 (hg19) VCF-style: chr19-54307365-C-T.
Other names: c.2429G>A, p.Cys810Tyr (NM_001277126.2); c.2426G>A, p.Cys809Tyr (NM_001277129.1); short protein forms C810Y, C809Y.
Identifiers: ClinVar variation 2724703 (VCV002724703.3), dbSNP rs747001650, ClinGen allele CA9639077.